The following is an entry in ClinVar:

ClinVar aggregate classification (germline): Uncertain significance (1 of 4 stars; one submission).

Conditions:
Myopathy, centronuclear, 2 (CNM2). Also called: MYOTUBULAR MYOPATHY, AUTOSOMAL RECESSIVE. Identifiers: Orphanet 169186, MedGen CN031787, MONDO:0009709, OMIM 255200.

gnomAD v4.1: 2 of 1,551,468 alleles (0.00013%); highest among the groups gnomAD compares: Non-Finnish European, 0.00017%; no homozygotes.

Submission:

Labcorp Genetics (formerly Invitae), Labcorp
Classification: Uncertain significance for Myopathy, centronuclear, 2. Last evaluated: 2024-12-24. Review status: criteria provided, single submitter. Criteria: Invitae Variant Classification Sherloc (09022015). Collection method: clinical testing. Allele origin: germline.
Comment: This sequence change replaces alanine, which is neutral and non-polar, with threonine, which is neutral and polar, at codon 407 of the BIN1 protein (p.Ala407Thr). This variant is not present in population databases (gnomAD no frequency). This variant has not been reported in the literature in individuals affected with BIN1-related conditions. An algorithm developed to predict the effect of missense changes on protein structure and function (PolyPhen-2) suggests that this variant is likely to be tolerated. In summary, the available evidence is currently insufficient to determine the role of this variant in disease. Therefore, it has been classified as a Variant of Uncertain Significance.

NM_139343.3(BIN1):c.1219G>A (p.Ala407Thr)

Gene: BIN1 (bridging integrator 1; minus strand). Cytogenetic location: 2q14.3.
Variant type: single nucleotide variant.
Coding change: c.1219G>A on transcript NM_139343.3 (MANE Select); coding-DNA position 1219, G replaced by A.
Protein change: p.Ala407Thr; replaces alanine 407 with threonine.
Molecular consequence: missense variant. On other transcripts: intron variant (12).
Genome position (GRCh38, 1-based): chr2:127,053,925, C>T on the plus strand (G>A on the coding strand, the complement: BIN1 is on the minus strand). VCF-style: chr2-127053925-C-T. GRCh37 (hg19) VCF-style: chr2-127811501-C-T.
Other names: c.1126G>A, p.Ala376Thr (NM_001320641.2); c.1138G>A, p.Ala380Thr (NM_001320642.1); c.1090G>A, p.Ala364Thr (NM_139344.3); c.838-3013G>A (NM_001320634.1); c.910-3013G>A (NM_139351.3); c.910-2682G>A (NM_139350.3); c.910-1563G>A (NM_139349.3); c.1039-2682G>A (NM_139348.3); and 7 more; short protein forms A364T, A376T, A380T, A407T.
Identifiers: ClinVar variation 3621501 (VCV003621501.2).